The following is an entry in ClinVar:

ClinVar aggregate classification (germline): Uncertain significance (1 of 4 stars; one submission).

Conditions:
Epidermolysis bullosa simplex with nail dystrophy (EBS5D). Identifiers: MedGen C4225309, MONDO:0014661, OMIM 616487.
Epidermolysis bullosa simplex, Ogna type (EBS5A). Also called: Pidermolysis bullosa simplex 5A, Ogna type; EPIDERMOLYSIS BULLOSA SIMPLEX 5A, OGNA TYPE. Identifiers: Orphanet 79401, MedGen C0432317, MONDO:0007555, OMIM 131950.
Epidermolysis bullosa simplex 5B, with muscular dystrophy (EBS5B). Also called: Epidermolysis bullosa simplex with muscular dystrophy; EPIDERMOLYSIS BULLOSA SIMPLEX AND LIMB-GIRDLE MUSCULAR DYSTROPHY. Identifiers: Orphanet 257, MedGen C2931072, MONDO:0009181, OMIM 226670.
Autosomal recessive limb-girdle muscular dystrophy type 2Q (LGMDR17). Also called: MUSCULAR DYSTROPHY, LIMB-GIRDLE, AUTOSOMAL RECESSIVE 17. Identifiers: Orphanet 254361, MedGen C3150989, MONDO:0013390, OMIM 613723.
Epidermolysis bullosa simplex 5C, with pyloric atresia (EBS5C). Also called: PLEC-Related Epidermolysis Bullosa with Pyloric Atresia; Epidermolysis bullosa simplex with pyloric atresia; PLEC1-Related Epidermolysis Bullosa with Pyloric Atresia. Identifiers: Orphanet 158684, MedGen C2677349, MONDO:0012807, OMIM 612138.

Submission:

Labcorp Genetics (formerly Invitae), Labcorp
Classification: Uncertain significance for Autosomal recessive limb-girdle muscular dystrophy type 2Q; Epidermolysis bullosa simplex, Ogna type; Epidermolysis bullosa simplex with nail dystrophy; Epidermolysis bullosa simplex 5C, with pyloric atresia; Epidermolysis bullosa simplex 5B, with muscular dystrophy. Last evaluated: 2025-05-11. Review status: criteria provided, single submitter. Criteria: Invitae Variant Classification Sherloc (09022015). Collection method: clinical testing. Allele origin: germline.
Comment: This sequence change replaces isoleucine, which is neutral and non-polar, with serine, which is neutral and polar, at codon 3646 of the PLEC protein (p.Ile3646Ser). This variant is not present in population databases (gnomAD no frequency). This variant has not been reported in the literature in individuals affected with PLEC-related conditions. An algorithm developed to predict the effect of missense changes on protein structure and function (PolyPhen-2) suggests that this variant is likely to be disruptive. In summary, the available evidence is currently insufficient to determine the role of this variant in disease. Therefore, it has been classified as a Variant of Uncertain Significance.

NM_201384.3(PLEC):c.10856T>G (p.Ile3619Ser)

Gene: PLEC (plectin; minus strand). Cytogenetic location: 8q24.3.
Variant type: single nucleotide variant.
Coding change: c.10856T>G on transcript NM_201384.3 (MANE Select); coding-DNA position 10856, T replaced by G.
Protein change: p.Ile3619Ser; replaces isoleucine 3619 with serine.
Molecular consequence: missense variant.
Genome position (GRCh38, 1-based): chr8:143,918,965, A>C on the plus strand (T>G on the coding strand, the complement: PLEC is on the minus strand). VCF-style: chr8-143918965-A-C. GRCh37 (hg19) VCF-style: chr8-144993133-A-C.
Other names: c.7556T>G, p.Ile2519Ser (NM_001410941.1); c.10814T>G, p.Ile3605Ser (NM_201378.4); c.10790T>G, p.Ile3597Ser (NM_201379.3); c.11267T>G, p.Ile3756Ser (NM_201380.4); c.10760T>G, p.Ile3587Ser (NM_201381.3); c.10856T>G, p.Ile3619Ser (NM_201382.4); c.10868T>G, p.Ile3623Ser (NM_201383.3); c.10937T>G, p.Ile3646Ser (NM_000445.5); short protein forms I2519S, I3597S, I3605S, I3646S, I3756S, I3587S, I3619S, I3623S.
Identifiers: ClinVar variation 4784977 (VCV004784977.1).